The following is an entry in ClinVar:

NM_032043.3(BRIP1):c.1948_1957del (p.Thr650fs)

Gene: BRIP1 (BRCA1 interacting DNA helicase 1; minus strand). Cytogenetic location: 17q23.2.
Variant type: Deletion.
Coding change: c.1948_1957del on transcript NM_032043.3 (MANE Select); coding-DNA positions 1948 to 1957, 10 bases deleted (ACCATTGGGT; older notation c.1948_1957delACCATTGGGT).
Protein change: p.Thr650fs; shifts the reading frame from threonine 650.
Molecular consequence: frameshift variant.
Genome position (GRCh38, 1-based): chr17:61,776,541-61,776,550, ACCCAATGGT deleted on the plus strand (ACCATTGGGT on the coding strand, the reverse complement: BRIP1 is on the minus strand); deleting any 10 consecutive bases within chr17:61,776,541-61,776,553 gives the same sequence; the c. name uses the placement nearest the transcript's 3' end. VCF-style (leftmost placement, unchanged base first): chr17-61776540-GACCCAATGGT-G. GRCh37 (hg19) VCF-style: chr17-59853901-GACCCAATGGT-G.
Other names: short protein forms T650fs.
Identifiers: ClinVar variation 848373 (VCV000848373.8), dbSNP rs2077537479, ClinGen allele CA916081903.

ClinVar aggregate classification (germline): Pathogenic (1 of 4 stars; one submission).

Conditions:
Familial cancer of breast. Also called: hereditary breast carcinoma; BREAST CANCER, FAMILIAL; Hereditary breast cancer. Identifiers: Orphanet 227535, MedGen C0346153, MONDO:0016419, OMIM 114480. Disease mechanism: loss of function.
Fanconi anemia complementation group J. Also called: BRIP1-Related Fanconi Anemia. Identifiers: Orphanet 84, MedGen C1836860, MONDO:0012187, OMIM 609054.

Submission:

Labcorp Genetics (formerly Invitae), Labcorp
Classification: Pathogenic for Familial cancer of breast; Fanconi anemia complementation group J. Last evaluated: 2019-08-20. Review status: criteria provided, single submitter. Criteria: Invitae Variant Classification Sherloc (09022015). Collection method: clinical testing. Allele origin: germline.
Comment: This sequence change creates a premature translational stop signal (p.Thr650Glnfs*35) in the BRIP1 gene. It is expected to result in an absent or disrupted protein product. For these reasons, this variant has been classified as Pathogenic. Loss-of-function variants in BRIP1 are known to be pathogenic (PMID: 16116423, 17033622, 21964575). This variant has not been reported in the literature in individuals with BRIP1-related conditions. This variant is not present in population databases (ExAC no frequency).

Literature cited by the submitters: PubMed 16116423; PubMed 17033622; PubMed 21964575.